The following is an entry in ClinVar:

ClinVar aggregate classification (germline): Pathogenic. Review status: reviewed by expert panel (3 of 4 stars). 12 submissions from 12 submitters: Pathogenic (1). 11 of the submissions do not count toward it. Last evaluated 2016-09-08.

Conditions:
BRCA2-related disorder. Also called: BRCA2-related condition; BRCA2-related disorders. Identifiers: MedGen CN239275.
Hereditary cancer-predisposing syndrome. Also called: Hereditary Cancer Syndrome; Tumor predisposition; Neoplastic Syndromes, Hereditary; Hereditary neoplastic syndrome. Identifiers: Orphanet 140162, MedGen C0027672, MeSH D009386, MONDO:0015356.
Hereditary breast ovarian cancer syndrome. Also called: Hereditary breast and ovarian cancer syndrome; Hereditary breast and/or ovarian cancer syndrome; Hereditary breast and ovarian cancer; Hereditary breast and ovarian cancer syndrome (HBOC); Breast and ovarian cancer; BRCA1- and BRCA2-Associated Hereditary Breast and Ovarian Cancer. Identifiers: Orphanet 145, MedGen C0677776, MeSH D061325, MONDO:0003582. Disease mechanism: loss of function.
Breast-ovarian cancer, familial, susceptibility to, 2 (BROVCA2). Also called: BRCA2 Hereditary Breast and Ovarian Cancer. Identifiers: Orphanet 145, MedGen C2675520, MONDO:0012933, OMIM 612555. Disease mechanism: loss of function.
Familial cancer of breast. Also called: BREAST CANCER, FAMILIAL; Hereditary breast cancer; hereditary breast carcinoma. Identifiers: Orphanet 227535, MedGen C0346153, MONDO:0016419, OMIM 114480. Disease mechanism: loss of function.

Submissions (12):

Evidence-based Network for the Interpretation of Germline Mutant Alleles (ENIGMA)
Classification: Pathogenic for Breast-ovarian cancer, familial, susceptibility to, 2. Last evaluated: 2016-09-08. Review status: reviewed by expert panel. Criteria: ENIGMA BRCA1/2 Classification Criteria (2015). Collection method: curation. Allele origin: germline.
Comment: Variant allele predicted to encode a truncated non-functional protein.

Labcorp Genetics (formerly Invitae), Labcorp
Classification: Pathogenic for Hereditary breast ovarian cancer syndrome. Last evaluated: 2026-01-21. Review status: criteria provided, single submitter. Criteria: Invitae Variant Classification Sherloc (09022015). Collection method: clinical testing. Allele origin: germline. Not counted in ClinVar's aggregate classification.
Comment: This sequence change creates a premature translational stop signal (p.Asp1898Metfs*11) in the BRCA2 gene. It is expected to result in an absent or disrupted protein product. Loss-of-function variants in BRCA2 are known to be pathogenic (PMID: 20104584). This variant is not present in population databases (gnomAD no frequency). This premature translational stop signal has been observed in individual(s) with breast cancer (PMID: 19340607, 25428789). This variant is also known as 5920delG. ClinVar contains an entry for this variant (Variation ID: 91423). For these reasons, this variant has been classified as Pathogenic.

PreventionGenetics, part of Exact Sciences
Classification: Pathogenic for BRCA2-related condition. Last evaluated: 2025-11-15. Review status: criteria provided, single submitter. Criteria: ACMG Guidelines, 2015. Collection method: clinical testing. Allele origin: germline. Not counted in ClinVar's aggregate classification.
Comment: The BRCA2 c.5692delG variant is predicted to result in a frameshift and premature protein termination (p.Asp1898Metfs*11). This variant has been reported in individuals with breast cancer (Churpek et al. 2015. PubMed ID: 25428789). This variant has not been reported in a large population database, indicating this variant is rare. This variant is classified as pathogenic by multiple submitters in Clinvar (Variation ID: 91423). Frameshift variants in BRCA2 are expected to be pathogenic. This variant is interpreted as pathogenic.

Ambry Genetics
Classification: Pathogenic for Hereditary cancer-predisposing syndrome. Last evaluated: 2024-04-26. Review status: criteria provided, single submitter. Criteria: Ambry Variant Classification Scheme 2023. Collection method: clinical testing. Allele origin: germline. Not counted in ClinVar's aggregate classification.
Comment: The c.5692delG pathogenic mutation, located in coding exon 10 of the BRCA2 gene, results from a deletion of one nucleotide at nucleotide position 5692, causing a translational frameshift with a predicted alternate stop codon (p.D1898Mfs*11). This mutation, also designated as 5920delG, has previously been detected in multiple breast cancer patients (Churpek JE et al. Breast Cancer Res. Treat. 2015 Jan;149:31-9; Dworkin AM et al. Fam. Cancer. 2009 Apr;8:339-46). This variant is considered to be rare based on population cohorts in the Genome Aggregation Database (gnomAD). In addition to the clinical data presented in the literature, this alteration is expected to result in loss of function by premature protein truncation or nonsense-mediated mRNA decay. As such, this alteration is interpreted as a disease-causing mutation.

GeneDx
Classification: Pathogenic. Last evaluated: 2023-07-27. Review status: criteria provided, single submitter. Criteria: GeneDx Variant Classification Process June 2021. Collection method: clinical testing. Allele origin: germline. Affected: yes. Not counted in ClinVar's aggregate classification.
Comment: Frameshift variant predicted to result in protein truncation or nonsense mediated decay in a gene for which loss of function is a known mechanism of disease; Observed in at least two individuals with a personal or family history of breast and/or ovarian cancer (Dworkin et al., 2009; Churpek et al., 2015); Truncating variants in this gene are considered pathogenic by a well-established clinical consortium and/or database; Not observed at significant frequency in large population cohorts (gnomAD); Also known as 5920delG; This variant is associated with the following publications: (PMID: 19340607, 25428789)

Baylor Genetics
Classification: Pathogenic for Familial cancer of breast. Last evaluated: 2023-05-04. Review status: criteria provided, single submitter. Criteria: ACMG Guidelines, 2015. Collection method: clinical testing. Allele origin: unknown. Not counted in ClinVar's aggregate classification.

Quest Diagnostics Nichols Institute San Juan Capistrano
Classification: Pathogenic. Last evaluated: 2022-10-11. Review status: criteria provided, single submitter. Criteria: Quest Diagnostics criteria. Collection method: clinical testing. Allele origin: unknown. Not counted in ClinVar's aggregate classification.
Comment: This frameshift variant alters the translational reading frame of the BRCA2 mRNA and causes the premature termination of BRCA2 protein synthesis. It has not been reported in large, multi-ethnic general populations. In the published literature, the variant has been reported in an individual with breast cancer (PMID: 25428789 (2015)). It has also been reported in a world-wide screening study of families with BRCA1 and BRCA2 pathogenic variants (PMID: 29446198 (2018)). Based on the available information, this variant is classified as pathogenic.

Women's Health and Genetics/Laboratory Corporation of America, LabCorp
Classification: Pathogenic for Hereditary breast ovarian cancer syndrome. Last evaluated: 2022-09-27. Review status: criteria provided, single submitter. Criteria: LabCorp Variant Classification Summary - May 2015. Collection method: clinical testing. Allele origin: germline. Not counted in ClinVar's aggregate classification.
Comment: Variant summary: BRCA2 c.5692delG (p.Asp1898MetfsX11) results in a premature termination codon, predicted to cause a truncation of the encoded protein or absence of the protein due to nonsense mediated decay, which are commonly known mechanisms for disease. Truncations downstream of this position have been classified as pathogenic by our laboratory and associated with HBOC phenotype in HGMD. The variant was absent in 250668 control chromosomes. c.5692delG has been reported in the literature in individuals affected with clinically diagnosed Breast Cancer (Churpek_2015 and Dworkin_2009). These data indicate that the variant is likely associated with disease. To our knowledge, no experimental evidence demonstrating an impact on protein function has been reported. Six clinical diagnostic laboratories have submitted clinical-significance assessments for this variant to ClinVar after 2014 and classified the variant as pathogenic. Based on the evidence outlined above, the variant was classified as pathogenic.

Color Diagnostics, LLC DBA Color Health
Classification: Pathogenic for Hereditary cancer-predisposing syndrome. Last evaluated: 2020-01-15. Review status: criteria provided, single submitter. Criteria: ACMG Guidelines, 2015. Collection method: clinical testing. Allele origin: germline. Not counted in ClinVar's aggregate classification.
Comment: This variant deletes 1 nucleotide in exon 11 of the BRCA2 gene, creating a frameshift and premature translation stop signal. This variant is expected to result in an absent or non-functional protein product. This variant has not been identified in the general population by the Genome Aggregation Database (gnomAD). Loss of BRCA2 function is a known mechanism of disease. Based on the available evidence, this variant is classified as Pathogenic.

Consortium of Investigators of Modifiers of BRCA1/2 (CIMBA), c/o University of Cambridge
Classification: Pathogenic for Breast-ovarian cancer, familial, susceptibility to, 2. Last evaluated: 2015-10-02. Review status: criteria provided, single submitter. Criteria: CIMBA Mutation Classification guidelines May 2016. Collection method: clinical testing. Allele origin: germline. Not counted in ClinVar's aggregate classification.

Research Molecular Genetics Laboratory, Women's College Hospital, University of Toronto
Classification: Pathogenic for Hereditary breast ovarian cancer syndrome. Last evaluated: 2014-01-31. Review status: no assertion criteria provided. Collection method: research. Allele origin: germline. Affected: yes. Study: The Canadian Open Genetics Repository (COGR). Not counted in ClinVar's aggregate classification.

Sharing Clinical Reports Project (SCRP)
Classification: Pathogenic for Breast-ovarian cancer, familial 2. Last evaluated: 2010-09-08. Review status: no assertion criteria provided. Collection method: clinical testing. Allele origin: germline. Not counted in ClinVar's aggregate classification.

Literature cited by the submitters: PubMed 20104584 (cited by Labcorp Genetics (formerly Invitae), Labcorp); PubMed 19340607 (cited by 4 submitters); PubMed 25428789 (cited by 4 submitters); PubMed 29446198 (cited by Quest Diagnostics Nichols Institute San Juan Capistrano).

NM_000059.4(BRCA2):c.5692del (p.Asp1898fs)

Gene: BRCA2 (BRCA2 DNA repair associated; plus strand). Cytogenetic location: 13q13.1.
Variant type: Deletion.
Coding change: c.5692del on transcript NM_000059.4 (MANE Select); coding-DNA position 5692, one base deleted (G; older notation c.5692delG).
Protein change: p.Asp1898fs; shifts the reading frame from aspartic acid 1898.
Molecular consequence: frameshift variant.
Genome position (GRCh38, 1-based): chr13:32,340,047, G deleted; the last of 2 consecutive G bases (chr13:32,340,046-32,340,047); deleting either gives the same sequence. VCF-style (leftmost placement, unchanged base first): chr13-32340045-TG-T. GRCh37 (hg19) VCF-style: chr13-32914182-TG-T.
Other names: 5920DELG; c.5692delG (NM_000059.3).
Identifiers: ClinVar variation 91423 (VCV000091423.29), dbSNP rs398122539, ClinGen allele CA022994.